The following is an entry in ClinVar:

NM_203446.3(SYNJ1):c.345del (p.Ile116fs)

Gene: SYNJ1 (synaptojanin 1; minus strand). Cytogenetic location: 21q22.11.
Variant type: Deletion.
Coding change: c.345del on transcript NM_203446.3 (MANE Select); coding-DNA position 345, one base deleted (C; older notation c.345delC).
Protein change: p.Ile116fs; shifts the reading frame from isoleucine 116.
Molecular consequence: frameshift variant.
Genome position (GRCh38, 1-based): chr21:32,699,972, G deleted on the plus strand (C on the coding strand, the reverse complement: SYNJ1 is on the minus strand). VCF-style (leftmost placement, unchanged base first): chr21-32699971-TG-T. GRCh37 (hg19) VCF-style: chr21-34072281-TG-T.
Other names: c.345delC, p.Ile116Phefs (NM_001160302.2); c.345del, p.Ile116fs (NM_001160306.2); c.462delC, p.Ile155Phefs (NM_003895.4); short protein forms I155fs, I116fs.
Identifiers: ClinVar variation 1422351 (VCV001422351.6), dbSNP rs2146213143, ClinGen allele CA2573157327.

ClinVar aggregate classification (germline): Pathogenic (1 of 4 stars; one submission).

Conditions:
Developmental and epileptic encephalopathy, 53. Also called: Epileptic encephalopathy, early infantile, 53. Identifiers: MedGen C4479313, MONDO:0033362, OMIM 617389.
Early-onset Parkinson disease 20. Also called: PARKINSON DISEASE 20, AUTOSOMAL RECESSIVE EARLY-ONSET. Identifiers: Orphanet 391411, MedGen C3809824, MONDO:0014233, OMIM 615530.

Submission:

Labcorp Genetics (formerly Invitae), Labcorp
Classification: Pathogenic for Developmental and epileptic encephalopathy, 53; Early-onset Parkinson disease 20. Last evaluated: 2023-07-07. Review status: criteria provided, single submitter. Criteria: Invitae Variant Classification Sherloc (09022015). Collection method: clinical testing. Allele origin: germline.
Comment: This sequence change creates a premature translational stop signal (p.Ile155Phefs*8) in the SYNJ1 gene. It is expected to result in an absent or disrupted protein product. Loss-of-function variants in SYNJ1 are known to be pathogenic (PMID: 25316601, 27435091). This variant is not present in population databases (gnomAD no frequency). This variant has not been reported in the literature in individuals affected with SYNJ1-related conditions. ClinVar contains an entry for this variant (Variation ID: 1422351). For these reasons, this variant has been classified as Pathogenic.

Literature cited by the submitters: PubMed 25316601; PubMed 27435091.